The following is an entry in ClinVar:

NM_057175.5(NAA15):c.1991T>G (p.Leu664Trp)

Gene: NAA15 (N-alpha-acetyltransferase 15, NatA auxiliary subunit; plus strand). Cytogenetic location: 4q31.1.
Variant type: single nucleotide variant.
Coding change: c.1991T>G on transcript NM_057175.5 (MANE Select); coding-DNA position 1991, T replaced by G.
Protein change: p.Leu664Trp; replaces leucine 664 with tryptophan.
Molecular consequence: missense variant.
Genome position (GRCh38, 1-based): chr4:139,376,408, T>G. VCF-style: chr4-139376408-T-G. GRCh37 (hg19) VCF-style: chr4-140297562-T-G.
Other names: c.1991T>G, p.Leu664Trp (NM_001410842.1); c.*400T>G (NM_025085.2); short protein forms L664W.
Identifiers: ClinVar variation 3017888 (VCV003017888.3), dbSNP rs756439868, ClinGen allele CA3083748.

ClinVar aggregate classification (germline): Uncertain significance (1 of 4 stars; one submission).

Allele frequency attached by ClinVar (database versions not stated): ExAC 0.00001; gnomAD 0.00002; TOPMed 0.00001; gnomAD exomes 0.00004.
gnomAD v4.1: 59 of 1,613,144 alleles (0.0037%); highest among the groups gnomAD compares: Non-Finnish European, 0.0047%; no homozygotes.

Submission:

Labcorp Genetics (formerly Invitae), Labcorp
Classification: Uncertain significance. Last evaluated: 2025-11-10. Review status: criteria provided, single submitter. Criteria: Invitae Variant Classification Sherloc (09022015). Collection method: clinical testing. Allele origin: germline.
Comment: This sequence change replaces leucine, which is neutral and non-polar, with tryptophan, which is neutral and slightly polar, at codon 664 of the NAA15 protein (p.Leu664Trp). This variant is present in population databases (rs756439868, gnomAD 0.004%). This variant has not been reported in the literature in individuals affected with NAA15-related conditions. ClinVar contains an entry for this variant (Variation ID: 3017888). An algorithm developed to predict the effect of missense changes on protein structure and function (PolyPhen-2) suggests that this variant is likely to be disruptive. In summary, the available evidence is currently insufficient to determine the role of this variant in disease. Therefore, it has been classified as a Variant of Uncertain Significance.